The following is an entry in ClinVar:

NM_152393.4(KLHL40):c.909T>C (p.Pro303=)

Gene: KLHL40 (kelch like family member 40; plus strand). Cytogenetic location: 3p22.1.
Variant type: single nucleotide variant.
Coding change: c.909T>C on transcript NM_152393.4 (MANE Select); coding-DNA position 909, T replaced by C.
Protein change: p.Pro303=; no amino-acid change (proline 303 retained).
Molecular consequence: synonymous variant.
Genome position (GRCh38, 1-based): chr3:42,686,527, T>C. VCF-style: chr3-42686527-T-C. GRCh37 (hg19) VCF-style: chr3-42728019-T-C.
Identifiers: ClinVar variation 3050396 (VCV003050396.2), dbSNP rs1163757023, ClinGen allele CA433350710.

ClinVar aggregate classification (germline): Likely benign (0 of 4 stars; one submission).

Conditions:
KLHL40-related disorder. Also called: KLHL40-related condition.

Allele frequency attached by ClinVar (database versions not stated): gnomAD exomes below 0.00001; TOPMed below 0.00001.
gnomAD v4.1: 3 of 1,614,144 alleles (0.00019%); highest among the groups gnomAD compares: Admixed American, 0.0017%; no homozygotes.

Submission:

PreventionGenetics, part of Exact Sciences
Classification: Likely benign for KLHL40-related condition. Last evaluated: 2019-07-12. Review status: no assertion criteria provided. Collection method: clinical testing. Allele origin: germline.
Comment: This variant is classified as likely benign based on ACMG/AMP sequence variant interpretation guidelines (Richards et al. 2015 PMID: 25741868, with internal and published modifications).